The following is an entry in ClinVar:

ClinVar aggregate classification (germline): Benign/Likely benign. Review status: criteria provided, multiple submitters, no conflicts (2 of 4 stars). 4 submissions from 4 submitters: Benign (1); Likely benign (3). Last evaluated 2025-05-13.

Conditions:
Familial cancer of breast. Also called: BREAST CANCER, FAMILIAL; Hereditary breast cancer; hereditary breast carcinoma. Identifiers: Orphanet 227535, MedGen C0346153, MONDO:0016419, OMIM 114480. Disease mechanism: loss of function.
Hereditary cancer-predisposing syndrome. Also called: Neoplastic Syndromes, Hereditary; Tumor predisposition; Hereditary Cancer Syndrome; Hereditary neoplastic syndrome. Identifiers: Orphanet 140162, MedGen C0027672, MeSH D009386, MONDO:0015356.

Submissions (4):

Labcorp Genetics (formerly Invitae), Labcorp
Classification: Likely benign for Familial cancer of breast. Last evaluated: 2025-05-13. Review status: criteria provided, single submitter. Criteria: Invitae Variant Classification Sherloc (09022015). Collection method: clinical testing. Allele origin: germline.

Myriad Genetics, Inc.
Classification: Benign for Familial cancer of breast. Last evaluated: 2024-07-18. Review status: criteria provided, single submitter. Criteria: Myriad Autosomal Dominant, Autosomal Recessive and X-Linked Classification Criteria (2023). Collection method: clinical testing. Allele origin: unknown.
Comment: This variant is considered benign. This variant is a silent/synonymous amino acid change and it is not expected to impact splicing.

Color Diagnostics, LLC DBA Color Health
Classification: Likely benign for Hereditary cancer-predisposing syndrome. Last evaluated: 2019-05-22. Review status: criteria provided, single submitter. Criteria: ACMG Guidelines, 2015. Collection method: clinical testing. Allele origin: germline.

Ambry Genetics
Classification: Likely benign for Hereditary cancer-predisposing syndrome. Last evaluated: 2017-01-30. Review status: criteria provided, single submitter. Criteria: Ambry Variant Classification Scheme 2023. Collection method: clinical testing. Allele origin: germline.

NM_000465.4(BARD1):c.12T>C (p.Asn4=)

Gene: BARD1 (BRCA1 associated RING domain 1; minus strand). Cytogenetic location: 2q35.
Variant type: single nucleotide variant.
Coding change: c.12T>C on transcript NM_000465.4 (MANE Select); coding-DNA position 12, T replaced by C.
Protein change: p.Asn4=; no amino-acid change (asparagine 4 retained).
Molecular consequence: synonymous variant. On other transcripts: non-coding transcript variant (3).
Genome position (GRCh38, 1-based): chr2:214,809,558, A>G on the plus strand (T>C on the coding strand, the complement: BARD1 is on the minus strand). VCF-style: chr2-214809558-A-G. GRCh37 (hg19) VCF-style: chr2-215674282-A-G.
Other names: c.12T>C, p.Asn4= (NM_001282543.2, NM_001282545.2, NM_001282548.2 and 1 more transcripts).
Identifiers: ClinVar variation 482814 (VCV000482814.19), dbSNP rs1289598310, ClinGen allele CA431148869.